The following is an entry in ClinVar:

NM_017866.6(TMEM70):c.763C>T (p.Arg255Trp)

Gene: TMEM70 (transmembrane protein 70; plus strand). Cytogenetic location: 8q21.11.
Variant type: single nucleotide variant.
Coding change: c.763C>T on transcript NM_017866.6 (MANE Select); coding-DNA position 763, C replaced by T.
Protein change: p.Arg255Trp; replaces arginine 255 with tryptophan.
Molecular consequence: missense variant. On other transcripts: 3 prime UTR variant (1), non-coding transcript variant (1).
Genome position (GRCh38, 1-based): chr8:73,981,601, C>T. VCF-style: chr8-73981601-C-T. GRCh37 (hg19) VCF-style: chr8-74893836-C-T.
Other names: c.763C>T (NM_017866.5); c.*453C>T (NM_001040613.3); short protein forms R255W.
Identifiers: ClinVar variation 1511241 (VCV001511241.8), dbSNP rs1364312202, ClinGen allele CA371490703.

ClinVar aggregate classification (germline): Uncertain significance. Review status: criteria provided, multiple submitters, no conflicts (2 of 4 stars). 3 submissions from 3 submitters: Uncertain significance (3). Last evaluated 2025-10-26.

Conditions:
Inborn genetic diseases. Identifiers: MedGen C0950123, MeSH D030342.
Mitochondrial complex V (ATP synthase) deficiency, nuclear type 2. Also called: Nuclear-Encoded ATPase Deficiency, TMEM70-Related; ENCEPHALOCARDIOMYOPATHY, MITOCHONDRIAL, NEONATAL, DUE TO ATP SYNTHASE DEFICIENCY; MITOCHONDRIAL COMPLEX V (ATP SYNTHASE) DEFICIENCY, TMEM70 TYPE. Identifiers: Orphanet 1194, MedGen C3279699, MONDO:0013546, OMIM 614052.

Allele frequency attached by ClinVar (database versions not stated): gnomAD 0.00001; gnomAD exomes 0.00002 and 0.00003; TOPMed 0.00002.
gnomAD v4.1: 22 of 1,608,246 alleles (0.0014%); highest among the groups gnomAD compares: Admixed American, 0.01%; no homozygotes.

Submissions (3):

Labcorp Genetics (formerly Invitae), Labcorp
Classification: Uncertain significance for Mitochondrial complex V (ATP synthase) deficiency, nuclear type 2. Last evaluated: 2025-10-26. Review status: criteria provided, single submitter. Criteria: Invitae Variant Classification Sherloc (09022015). Collection method: clinical testing. Allele origin: germline.
Comment: This sequence change replaces arginine, which is basic and polar, with tryptophan, which is neutral and slightly polar, at codon 255 of the TMEM70 protein (p.Arg255Trp). This variant is present in population databases (no rsID available, gnomAD 0.01%). This variant has not been reported in the literature in individuals affected with TMEM70-related conditions. ClinVar contains an entry for this variant (Variation ID: 1511241). An algorithm developed to predict the effect of missense changes on protein structure and function (PolyPhen-2) suggests that this variant is likely to be tolerated. In summary, the available evidence is currently insufficient to determine the role of this variant in disease. Therefore, it has been classified as a Variant of Uncertain Significance.

Ambry Genetics
Classification: Uncertain significance for Inborn genetic diseases. Last evaluated: 2024-10-16. Review status: criteria provided, single submitter. Criteria: Ambry Variant Classification Scheme 2023. Collection method: clinical testing. Allele origin: germline.

Fulgent Genetics
Classification: Uncertain significance for Mitochondrial complex V (ATP synthase) deficiency, nuclear type 2. Last evaluated: 2021-12-02. Review status: criteria provided, single submitter. Criteria: ACMG Guidelines, 2015. Collection method: clinical testing. Allele origin: unknown.